The following is an entry in ClinVar:

NM_020632.3(ATP6V0A4):c.1181-2A>G

Gene: ATP6V0A4 (ATPase H+ transporting V0 subunit a4; minus strand). Cytogenetic location: 7q34.
Variant type: single nucleotide variant.
Coding change: c.1181-2A>G on transcript NM_020632.3 (MANE Select); the canonical splice acceptor site of the intron before coding-DNA position 1181, A replaced by G.
Molecular consequence: splice acceptor variant.
Genome position (GRCh38, 1-based): chr7:138,747,566, T>C on the plus strand (A>G on the coding strand, the complement: ATP6V0A4 is on the minus strand). VCF-style: chr7-138747566-T-C. GRCh37 (hg19) VCF-style: chr7-138432311-T-C.
Other names: c.1181-2A>G (NM_130840.3, NM_130841.3).
Identifiers: ClinVar variation 955468 (VCV000955468.8), dbSNP rs1806016526, ClinGen allele CA369371641.

ClinVar aggregate classification (germline): Likely pathogenic (1 of 4 stars; one submission).

Submission:

Labcorp Genetics (formerly Invitae), Labcorp
Classification: Likely pathogenic. Last evaluated: 2019-11-16. Review status: criteria provided, single submitter. Criteria: Invitae Variant Classification Sherloc (09022015). Collection method: clinical testing. Allele origin: germline.
Comment: Donor and acceptor splice site variants typically lead to a loss of protein function (PMID: 16199547), and loss-of-function variants in ATP6V0A4 are known to be pathogenic (PMID: 12414817, 16611712). Algorithms developed to predict the effect of sequence changes on RNA splicing suggest that this variant may disrupt the consensus splice site, but this prediction has not been confirmed by published transcriptional studies. This variant has not been reported in the literature in individuals with ATP6V0A4-related conditions. This variant is not present in population databases (ExAC no frequency). This sequence change affects an acceptor splice site in intron 12 of the ATP6V0A4 gene. It is expected to disrupt RNA splicing and likely results in an absent or disrupted protein product. In summary, the currently available evidence indicates that the variant is pathogenic, but additional data are needed to prove that conclusively. Therefore, this variant has been classified as Likely Pathogenic.

Literature cited by the submitters: PubMed 16199547; PubMed 12414817; PubMed 16611712.